The following is an entry in ClinVar:

ClinVar aggregate classification (germline): Pathogenic (1 of 4 stars; one submission).

Conditions:
Retinoblastoma (RB1). Also called: RETINOBLASTOMA, SOMATIC. Identifiers: Orphanet 790, MedGen C0035335, MeSH D012175, MONDO:0008380, OMIM 180200, HP:0009919. Disease mechanism: loss of function. Inheritance: Both sporadic and heritable forms are tested..

Submission:

Genetic Diagnostic Laboratory, University of Pennsylvania School of Medicine
Classification: Pathogenic for Retinoblastoma. Last evaluated: 2024-05-20. Review status: criteria provided, single submitter. Criteria: ACMG Guidelines, 2015. Collection method: clinical testing. Allele origin: germline. Affected: yes. Observed: 1 variant allele.
Comment: Case and Pedigree Information: BILATERAL CASES:1, UNILATERAL CASES:0, TOTAL CASES:1, PEDIGREES:1. ACMG Codes Applied:PVS1, PM2

NM_000321.3(RB1):c.736_737del (p.Pro245_Ile246insTer)

Gene: RB1 (RB transcriptional corepressor 1; plus strand). Cytogenetic location: 13q14.2.
Variant type: Deletion.
Coding change: c.736_737del on transcript NM_000321.3 (MANE Select); coding-DNA positions 736 to 737, 2 bases deleted (AT; older notation c.736_737delAT).
Protein change: p.Pro245_Ile246insTer.
Molecular consequence: nonsense.
Genome position (GRCh38, 1-based): chr13:48,362,832-48,362,833, AT deleted. VCF-style (leftmost placement, unchanged base first): chr13-48362831-CAT-C. GRCh37 (hg19) VCF-style: chr13-48936967-CAT-C.
Other names: c.736_737del, p.Pro245_Ile246insTer (NM_001407165.1, NM_001407166.1).
Identifiers: ClinVar variation 3236924 (VCV003236924.1), dbSNP rs2542181919.
Genomic context (GRCh38, chr13:48,362,831, plus strand): 5'-TGATGGATGTACAATTGTTCTTATCTAATTTACCACTTTTACAGAAACAGCTGTTATACC[CAT>C]TAATGGTTCACCTCGAACACCCAGGCGAGGTCAGAACAGGAGTGCACGGATAGCAAAACA-3'